The following is an entry in ClinVar:

NM_000051.4(ATM):c.8410A>C (p.Lys2804Gln)

Genes: C11orf65 (chromosome 11 open reading frame 65; minus strand), ATM (ATM serine/threonine kinase; plus strand). Cytogenetic location: 11q22.3.
Variant type: single nucleotide variant.
Coding change: c.8410A>C on transcript NM_000051.4 (MANE Select); coding-DNA position 8410, A replaced by C.
Protein change: p.Lys2804Gln; replaces lysine 2804 with glutamine.
Molecular consequence: missense variant. On other transcripts: intron variant (2).
Genome position (GRCh38, 1-based): chr11:108,343,363, A>C. VCF-style: chr11-108343363-A-C. GRCh37 (hg19) VCF-style: chr11-108214090-A-C.
Other names: c.8410A>C, p.Lys2804Gln (NM_001351834.2); c.641-34292T>G (NM_001330368.2); c.695-8071T>G (NM_001351110.2); short protein forms K2804Q.
Identifiers: ClinVar variation 236788 (VCV000236788.12), dbSNP rs878853549, ClinGen allele CA10582861.

ClinVar aggregate classification (germline): Uncertain significance. Review status: criteria provided, multiple submitters, no conflicts (2 of 4 stars). 4 submissions from 4 submitters: Uncertain significance (4). Last evaluated 2026-07-21.

Conditions:
Hereditary cancer-predisposing syndrome. Also called: Neoplastic Syndromes, Hereditary; Hereditary neoplastic syndrome; Tumor predisposition; Hereditary Cancer Syndrome. Identifiers: Orphanet 140162, MedGen C0027672, MeSH D009386, MONDO:0015356.
Ataxia-telangiectasia syndrome (AT). Also called: Ataxia telangiectasia (A-T); Cerebello-oculocutaneous telangiectasia; Immunodeficiency with ataxia telangiectasia; LOUIS-BAR SYNDROME; AT, COMPLEMENTATION GROUP C; ATAXIA-TELANGIECTASIA, FRESNO VARIANT. Identifiers: Orphanet 100, MedGen C0004135, MONDO:0008840, OMIM 208900.

Submissions (4):

Ambry Genetics
Classification: Uncertain significance for Hereditary cancer-predisposing syndrome. Last evaluated: 2026-07-21. Review status: criteria provided, single submitter. Criteria: Ambry Variant Classification Scheme 2023. Collection method: clinical testing. Allele origin: germline.
Comment: The p.K2804Q variant (also known as c.8410A>C), located in coding exon 56 of the ATM gene, results from an A to C substitution at nucleotide position 8410. The lysine at codon 2804 is replaced by glutamine, an amino acid with similar properties. This amino acid position is well conserved in available vertebrate species. In addition, this alteration is predicted to be tolerated by in silico analysis. Based on the available evidence, the clinical significance of this variant remains unclear.

GeneDx
Classification: Uncertain significance. Last evaluated: 2025-01-27. Review status: criteria provided, single submitter. Criteria: GeneDx Variant Classification Process June 2021. Collection method: clinical testing. Allele origin: germline. Affected: yes.
Comment: Not observed at significant frequency in large population cohorts (gnomAD); In silico analysis supports that this missense variant has a deleterious effect on protein structure/function; Has not been previously published as pathogenic or benign to our knowledge

Blueprint Genetics
Classification: Uncertain significance. Last evaluated: 2023-03-20. Review status: criteria provided, single submitter. Criteria: ACMG Guidelines, 2015. Collection method: clinical testing. Allele origin: germline.

Labcorp Genetics (formerly Invitae), Labcorp
Classification: Uncertain significance for Ataxia-telangiectasia syndrome. Last evaluated: 2016-02-07. Review status: criteria provided, single submitter. Criteria: Invitae Variant Classification Sherloc (09022015). Collection method: clinical testing. Allele origin: germline.
Comment: This variant is not present in population databases (ExAC no frequency) and has not been reported in the literature in individuals with a ATM-related disease. In summary, this is a novel missense change with uncertain impact on protein function. It has been classified as a Variant of Uncertain Significance. Algorithms developed to predict the effect of missense changes on protein structure and function do not agree on the potential impact of this missense change (SIFT: "Tolerated"; PolyPhen-2: "Possibly Damaging"; Align-GVGD: "Class C0"). This sequence change replaces lysine with glutamine at codon 2804 of the ATM protein (p.Lys2804Gln). The lysine residue is highly conserved and there is a small physicochemical difference between lysine and glutamine.